The following is an entry in ClinVar:

ClinVar aggregate classification (germline): Uncertain significance. Review status: criteria provided, multiple submitters, no conflicts (2 of 4 stars). 3 submissions from 3 submitters: Uncertain significance (2). 1 of the submissions does not count toward it. Last evaluated 2023-04-11.

Conditions:
Inborn genetic diseases. Identifiers: MedGen C0950123, MeSH D030342.
Cohen syndrome (COH1). Also called: PEPPER SYNDROME; Cutis verticis gyrata, retinitis pigmentosa, and sensorineural deafness. Identifiers: Orphanet 193, MedGen C0265223, MONDO:0008999, OMIM 216550.

Allele frequency attached by ClinVar (database versions not stated): gnomAD exomes below 0.00001; TOPMed below 0.00001; gnomAD 0.00001.
gnomAD v4.1: 5 of 1,613,118 alleles (0.00031%); highest among the groups gnomAD compares: Non-Finnish European, 0.00034%; no homozygotes.

Submissions (3):

Ambry Genetics
Classification: Uncertain significance for Inborn genetic diseases. Last evaluated: 2023-04-11. Review status: criteria provided, single submitter. Criteria: Ambry Variant Classification Scheme 2023. Collection method: clinical testing. Allele origin: germline.

Labcorp Genetics (formerly Invitae), Labcorp
Classification: Uncertain significance for Cohen syndrome. Last evaluated: 2022-07-12. Review status: criteria provided, single submitter. Criteria: Invitae Variant Classification Sherloc (09022015). Collection method: clinical testing. Allele origin: germline.
Comment: This sequence change replaces alanine, which is neutral and non-polar, with glutamic acid, which is acidic and polar, at codon 1639 of the VPS13B protein (p.Ala1639Glu). This variant is not present in population databases (gnomAD no frequency). This variant has not been reported in the literature in individuals affected with VPS13B-related conditions. ClinVar contains an entry for this variant (Variation ID: 659181). Algorithms developed to predict the effect of missense changes on protein structure and function are either unavailable or do not agree on the potential impact of this missense change (SIFT: "Not Available"; PolyPhen-2: "Possibly Damaging"; Align-GVGD: "Not Available"). In summary, the available evidence is currently insufficient to determine the role of this variant in disease. Therefore, it has been classified as a Variant of Uncertain Significance.

Natera, Inc.
Classification: Uncertain significance for Cohen syndrome. Last evaluated: 2020-09-16. Review status: no assertion criteria provided. Collection method: clinical testing. Allele origin: germline. Not counted in ClinVar's aggregate classification.

NM_152564.5(VPS13B):c.4841C>A (p.Ala1614Glu)

Gene: VPS13B (vacuolar protein sorting 13 homolog B; plus strand). Cytogenetic location: 8q22.2.
Variant type: single nucleotide variant.
Coding change: c.4841C>A on transcript NM_152564.5 (MANE Select); coding-DNA position 4841, C replaced by A.
Protein change: p.Ala1614Glu; replaces alanine 1614 with glutamic acid.
Molecular consequence: missense variant.
Genome position (GRCh38, 1-based): chr8:99,556,545, C>A. VCF-style: chr8-99556545-C-A. GRCh37 (hg19) VCF-style: chr8-100568773-C-A.
Other names: c.4916C>A, p.Ala1639Glu (NM_017890.5); c.4916C>A (NM_017890.3); short protein forms A1639E, A1614E.
Identifiers: ClinVar variation 659181 (VCV000659181.8), dbSNP rs1002672196, ClinGen allele CA182994132.